The following is an entry in ClinVar:

ClinVar aggregate classification (germline): Uncertain significance (1 of 4 stars; one submission).

Conditions:
ALG9 congenital disorder of glycosylation (CDG1L). Also called: CDG Il; CONGENITAL DISORDER OF GLYCOSYLATION, TYPE Il; ALG9-CDG. Identifiers: Orphanet 79328, MedGen C2931006, MONDO:0012117, OMIM 608776.

Submission:

Labcorp Genetics (formerly Invitae), Labcorp
Classification: Uncertain significance for ALG9 congenital disorder of glycosylation. Last evaluated: 2021-05-25. Review status: criteria provided, single submitter. Criteria: Invitae Variant Classification Sherloc (09022015). Collection method: clinical testing. Allele origin: germline.
Comment: In summary, the available evidence is currently insufficient to determine the role of this variant in disease. Therefore, it has been classified as a Variant of Uncertain Significance. Algorithms developed to predict the effect of sequence changes on RNA splicing suggest that this variant may create or strengthen a splice site, but this prediction has not been confirmed by published transcriptional studies. Algorithms developed to predict the effect of missense changes on protein structure and function are either unavailable or do not agree on the potential impact of this missense change (SIFT: "Deleterious"; PolyPhen-2: "Benign"; Align-GVGD: "Class C0"). This variant has not been reported in the literature in individuals with ATP6V0A2-related conditions. This variant is not present in population databases (ExAC no frequency). This sequence change replaces leucine with valine at codon 12 of the ATP6V0A2 protein (p.Leu12Val). The leucine residue is moderately conserved and there is a small physicochemical difference between leucine and valine.

NM_012463.4(ATP6V0A2):c.34C>G (p.Leu12Val)

Genes: ATP6V0A2 (ATPase H+ transporting V0 subunit a2; plus strand), LOC130009117 (ATAC-STARR-seq lymphoblastoid silent region 5049; plus strand). Cytogenetic location: 12q24.31.
Variant type: single nucleotide variant.
Coding change: c.34C>G on transcript NM_012463.4 (MANE Select); coding-DNA position 34, C replaced by G.
Protein change: p.Leu12Val; replaces leucine 12 with valine.
Molecular consequence: missense variant.
Genome position (GRCh38, 1-based): chr12:123,712,599, C>G. VCF-style: chr12-123712599-C-G. GRCh37 (hg19) VCF-style: chr12-124197146-C-G.
Other names: short protein forms L12V.
Identifiers: ClinVar variation 1356197 (VCV001356197.8), dbSNP rs1232267114, ClinGen allele CA387150449.